The following is an entry in ClinVar:

NM_000257.4(MYH7):c.3325A>G (p.Lys1109Glu)

Gene: MYH7 (myosin heavy chain 7; minus strand). Cytogenetic location: 14q11.2.
Variant type: single nucleotide variant.
Coding change: c.3325A>G on transcript NM_000257.4 (MANE Select); coding-DNA position 3325, A replaced by G.
Protein change: p.Lys1109Glu; replaces lysine 1109 with glutamic acid.
Molecular consequence: missense variant.
Genome position (GRCh38, 1-based): chr14:23,420,969, T>C on the plus strand (A>G on the coding strand, the complement: MYH7 is on the minus strand). VCF-style: chr14-23420969-T-C. GRCh37 (hg19) VCF-style: chr14-23890178-T-C.
Other names: c.3325A>G (LRG_384t1); short protein forms K1109E.
Identifiers: ClinVar variation 492984 (VCV000492984.5), dbSNP rs1429196201, ClinGen allele CA389044324.

ClinVar aggregate classification (germline): Uncertain significance. Review status: criteria provided, multiple submitters, no conflicts (2 of 4 stars). 3 submissions from 3 submitters: Uncertain significance (3). Last evaluated 2021-05-06.

Conditions:
Hypertrophic cardiomyopathy 1 (CMH1). Also called: MYH7-Related Familial Hypertrophic Cardiomyopathy; Familial hypertrophic cardiomyopathy 1. Identifiers: MedGen C3495498, MONDO:0008647, OMIM 192600.

Submissions (3):

Victorian Clinical Genetics Services, Murdoch Childrens Research Institute
Classification: Uncertain significance for Hypertrophic cardiomyopathy 1. Last evaluated: 2021-05-06. Review status: criteria provided, single submitter. Criteria: ACMG Guidelines, 2015. Collection method: clinical testing. Allele origin: germline. Inheritance: Autosomal dominant inheritance.
Comment: Based on the classification scheme VCGS_Germline_v1.3.4, this variant is classified as VUS-3A. Following criteria are met: 0105 - The mechanism of disease for this gene is not clearly established, however, missense variants have been proposed to act in a dominant negative manner (PMID: 24714796). (I) 0107 - This gene is associated with autosomal dominant disease. (I) 0112 - The condition associated with this gene has incomplete penetrance. Hypertrophic cardiomyopathy is known to be an incompletely penetrant disease, although data specific to this gene is lacking (PMID: 29300372). (I) 0200 - Variant is predicted to result in a missense amino acid change from lysine to glutamic acid. (I) 0251 - This variant is heterozygous. (I) 0301 - Variant is absent from gnomAD (both v2 and v3). (SP) 0502 - Missense variant with conflicting in silico predictions and uninformative conservation. (I) 0600 - Variant is located in the annotated myosin tail domain (Pfam). (I) 0705 - No comparable missense variants have previous evidence for pathogenicity. (I) 0803 - This variant has limited previous evidence of pathogenicity in unrelated individuals. The variant was reported as pathogenic in an individual with familial HCM (PMID: 28408708) and as a VUS in three further individuals (two related) with HCM (PMID: 27532257, ClinVar). (SP) 0906 - Segregation evidence for this variant is inconclusive, as it has been reported in two family members with HCM with no further details provided (ClinVar). (I) 1007 - No published functional evidence has been identified for this variant. (I) Legend: (SP) - Supporting pathogenic, (I) - Information, (SB) - Supporting benign

GeneDx
Classification: Uncertain significance. Last evaluated: 2020-10-28. Review status: criteria provided, single submitter. Criteria: GeneDx Variant Classification Process June 2021. Collection method: clinical testing. Allele origin: germline. Affected: yes.
Comment: Reported in association with cardiomyopathy (Walsh et al., 2017; Burns et al., 2017); however, no specific clinical information was provided; Not observed in large population cohorts (Lek et al., 2016); In silico analysis supports that this missense variant has a deleterious effect on protein structure/function; This variant is associated with the following publications: (PMID: 27532257, 28790153)

Agnes Ginges Centre for Molecular Cardiology, Centenary Institute
Classification: Uncertain significance for Hypertrophic cardiomyopathy 1. Last evaluated: 2017-03-13. Review status: criteria provided, single submitter. Criteria: Agnes Ginges Centre for Molecular Cardiology criteria (2015). Collection method: research. Allele origin: germline. Inheritance: Autosomal dominant inheritance. Affected: yes.
Comment: The variant is absent from both the 1000 genomes project, as well as the Exome Aggregation Consortium dataset. Computational tools SIFT, PolyPhen-2, PolyPhen-HCM and MutationTaster predict this variant to be deleterious. Based on this limited evidence, we classify MYH7 Lys1109Glu as a variant of "uncertain significance".

Literature cited by the submitters: PubMed 24714796 (cited by Victorian Clinical Genetics Services, Murdoch Childrens Research Institute); PubMed 27532257 (cited by Victorian Clinical Genetics Services, Murdoch Childrens Research Institute); PubMed 28408708 (cited by Victorian Clinical Genetics Services, Murdoch Childrens Research Institute); PubMed 29300372 (cited by Victorian Clinical Genetics Services, Murdoch Childrens Research Institute).